The following is an entry in ClinVar:

NM_000246.4(CIITA):c.1566del (p.Cys523fs)

Gene: CIITA (class II major histocompatibility complex transactivator; plus strand). Cytogenetic location: 16p13.13.
Variant type: Deletion.
Coding change: c.1566del on transcript NM_000246.4 (MANE Select); coding-DNA position 1566, one base deleted (C; older notation c.1566delC).
Protein change: p.Cys523fs; shifts the reading frame from cysteine 523.
Molecular consequence: frameshift variant. On other transcripts: intron variant (1).
Genome position (GRCh38, 1-based): chr16:10,907,058, C deleted; the last of 3 consecutive C bases (chr16:10,907,056-10,907,058); deleting any one gives the same sequence. VCF-style (leftmost placement, unchanged base first): chr16-10907055-GC-G. GRCh37 (hg19) VCF-style: chr16-11000912-GC-G.
Other names: c.1569del, p.Cys524fs (NM_001286402.1, NM_001379332.1); c.1422del, p.Cys475fs (NM_001379330.1); c.1419del, p.Cys474fs (NM_001379331.1); c.1566del, p.Cys523fs (NM_001379333.1); c.1497del, p.Cys500fs (NM_001379334.1); c.860-1925del (NM_001286403.2); short protein forms C474fs, C475fs, C523fs, C500fs, C524fs.
Identifiers: ClinVar variation 2698052 (VCV002698052.3), dbSNP rs2544478713, ClinGen allele CA2697555646.
Genomic context (GRCh38, chr16:10,907,055, plus strand): 5'-CGAGGAGCTGGAAGCGCAAGATGGCTTCCTGCACAGCACGTGCGGACCGGCACCGGCGGA[GC>G]CCTGCTCCCTCCGGGGGCTGCTGGCCGGCCTTTTCCAGAAGAAGCTGCTCCGAGGTTGCA-3'

ClinVar aggregate classification (germline): Pathogenic (1 of 4 stars; one submission).

Conditions:
MHC class II deficiency. Also called: Bare lymphocyte syndrome 2; BLS, TYPE II. Identifiers: Orphanet 572, MedGen C5447452, MONDO:0008855.

Submission:

Labcorp Genetics (formerly Invitae), Labcorp
Classification: Pathogenic for MHC class II deficiency. Last evaluated: 2023-11-21. Review status: criteria provided, single submitter. Criteria: Invitae Variant Classification Sherloc (09022015). Collection method: clinical testing. Allele origin: germline.
Comment: This sequence change creates a premature translational stop signal (p.Cys523Alafs*35) in the CIITA gene. It is expected to result in an absent or disrupted protein product. Loss-of-function variants in CIITA are known to be pathogenic (PMID: 8402893, 9099848, 26271388). This variant is not present in population databases (gnomAD no frequency). This variant has not been reported in the literature in individuals affected with CIITA-related conditions. For these reasons, this variant has been classified as Pathogenic.

Literature cited by the submitters: PubMed 8402893; PubMed 9099848; PubMed 26271388.